The following is an entry in ClinVar:

ClinVar aggregate classification (germline): Uncertain significance (1 of 4 stars; one submission).

gnomAD v4.1: 14 of 1,604,700 alleles (0.00087%); highest among the groups gnomAD compares: East Asian, 0.018%; no homozygotes.

Submission:

Ambry Genetics
Classification: Uncertain significance. Last evaluated: 2024-12-06. Review status: criteria provided, single submitter. Criteria: Ambry Variant Classification Scheme 2023. Collection method: clinical testing. Allele origin: germline.
Comment: The p.E1431K variant (also known as c.4291G>A), located in coding exon 19 of the WNK2 gene, results from a G to A substitution at nucleotide position 4291. The glutamic acid at codon 1431 is replaced by lysine, an amino acid with similar properties. This amino acid position is conserved. In addition, this alteration is predicted to be tolerated by in silico analysis. Based on the available evidence, the clinical significance of this variant remains unclear.

NM_006648.4(WNK2):c.4291G>A (p.Glu1431Lys)

Gene: WNK2 (WNK lysine deficient protein kinase 2; plus strand). Cytogenetic location: 9q22.31.
Variant type: single nucleotide variant.
Coding change: c.4291G>A on transcript NM_006648.4 (MANE Select); coding-DNA position 4291, G replaced by A.
Protein change: p.Glu1431Lys; replaces glutamic acid 1431 with lysine.
Molecular consequence: missense variant.
Genome position (GRCh38, 1-based): chr9:93,289,045, G>A. VCF-style: chr9-93289045-G-A. GRCh37 (hg19) VCF-style: chr9-96051327-G-A.
Other names: c.4402G>A, p.Glu1468Lys (NM_001282394.3); short protein forms E1468K, E1431K.
Identifiers: ClinVar variation 3333158 (VCV003333158.2).